The following is an entry in ClinVar:

ClinVar aggregate classification (germline): Likely pathogenic. Review status: criteria provided, multiple submitters, no conflicts (2 of 4 stars). 2 submissions from 2 submitters: Likely pathogenic (2). Last evaluated 2024-04-06.

Conditions:
ALG1-congenital disorder of glycosylation. Also called: CONGENITAL DISORDER OF GLYCOSYLATION, TYPE Ik; CDG Ik; ALG1-CDG. Identifiers: Orphanet 79327, MedGen C2931005, MONDO:0012052, OMIM 608540.

Submissions (2):

Fulgent Genetics
Classification: Likely pathogenic for ALG1-congenital disorder of glycosylation. Last evaluated: 2024-04-06. Review status: criteria provided, single submitter. Criteria: ACMG Guidelines, 2015. Collection method: clinical testing. Allele origin: germline.

Labcorp Genetics (formerly Invitae), Labcorp
Classification: Likely pathogenic for ALG1-congenital disorder of glycosylation. Last evaluated: 2023-10-03. Review status: criteria provided, single submitter. Criteria: Invitae Variant Classification Sherloc (09022015). Collection method: clinical testing. Allele origin: germline.
Comment: This sequence change affects a donor splice site in intron 9 of the ALG1 gene. It is expected to disrupt RNA splicing. Variants that disrupt the donor or acceptor splice site typically lead to a loss of protein function (PMID: 16199547), and loss-of-function variants in ALG1 are known to be pathogenic (PMID: 20679665, 23806237). This variant is present in population databases (rs373355236, gnomAD 0.0009%). Disruption of this splice site has been observed in individual(s) with a congenital disorder of glycosylation (PMID: 26931382). Algorithms developed to predict the effect of sequence changes on RNA splicing suggest that this variant may disrupt the consensus splice site. In summary, the currently available evidence indicates that the variant is pathogenic, but additional data are needed to prove that conclusively. Therefore, this variant has been classified as Likely Pathogenic.

Literature cited by the submitters: PubMed 16199547 (cited by Labcorp Genetics (formerly Invitae), Labcorp); PubMed 20679665 (cited by Labcorp Genetics (formerly Invitae), Labcorp); PubMed 23806237 (cited by Labcorp Genetics (formerly Invitae), Labcorp); PubMed 26931382 (cited by Labcorp Genetics (formerly Invitae), Labcorp).

NM_019109.5(ALG1):c.961+1G>A

Gene: ALG1 (ALG1 chitobiosyldiphosphodolichol beta-mannosyltransferase; plus strand). Cytogenetic location: 16p13.3.
Variant type: single nucleotide variant.
Coding change: c.961+1G>A on transcript NM_019109.5 (MANE Select); the canonical splice donor site of the intron after coding-DNA position 961, G replaced by A.
Molecular consequence: splice donor variant.
Genome position (GRCh38, 1-based): chr16:5,079,808, G>A. VCF-style: chr16-5079808-G-A. GRCh37 (hg19) VCF-style: chr16-5129809-G-A.
Other names: c.628+1G>A (NM_001330504.2).
Identifiers: ClinVar variation 2806544 (VCV002806544.4), dbSNP rs373355236, ClinGen allele CA277163363.